The following is an entry in ClinVar:

ClinVar aggregate classification (germline): Likely pathogenic (1 of 4 stars; one submission).

Conditions:
Inborn genetic diseases. Identifiers: MedGen C0950123, MeSH D030342.

Submission:

Ambry Genetics
Classification: Likely pathogenic for Inborn genetic diseases. Last evaluated: 2023-05-18. Review status: criteria provided, single submitter. Criteria: Ambry Variant Classification Scheme 2023. Collection method: clinical testing. Allele origin: germline.
Comment: The c.2080_2094del15 (p.S694_L698del) alteration, located in coding exon 13 of the CLTC gene, results from an in-frame deletion of 15 nucleotides at positions c.2080 to c.2094. This results in the deletion of 5 amino acids from codon 694 to 698. This variant was not reported in population-based cohorts in the Genome Aggregation Database (gnomAD). These amino acid positions are well conserved in available vertebrate species. This alteration is predicted to be deleterious by in silico analysis (Choi, 2012). Based on the available evidence, this alteration is classified as likely pathogenic.

NM_004859.4(CLTC):c.2080_2094del (p.Ser694_Leu698del)

Gene: CLTC (clathrin heavy chain; plus strand). Cytogenetic location: 17q23.1.
Variant type: Deletion.
Coding change: c.2080_2094del on transcript NM_004859.4 (MANE Select); coding-DNA positions 2080 to 2094, 15 bases deleted (TCAACTCAGTCTCTG).
Protein change: p.Ser694_Leu698del.
Molecular consequence: inframe deletion.
Genome position (GRCh38, 1-based): chr17:59,666,929-59,666,943, TCAACTCAGTCTCTG deleted; deleting any 15 consecutive bases within chr17:59,666,926-59,666,943 gives the same sequence; the c. name uses the placement nearest the transcript's 3' end. VCF-style (leftmost placement, unchanged base first): chr17-59666925-ACTGTCAACTCAGTCT-A. GRCh37 (hg19) VCF-style: chr17-57744286-ACTGTCAACTCAGTCT-A.
Other names: c.2092_2106del, p.Ser698_Leu702del (NM_001288653.2).
Identifiers: ClinVar variation 2532223 (VCV002532223.2), dbSNP rs2509384754, ClinGen allele CA2580612648.